The following is an entry in ClinVar:

NM_001197104.2(KMT2A):c.9341C>T (p.Thr3114Ile)

Gene: KMT2A (lysine methyltransferase 2A; plus strand). Cytogenetic location: 11q23.3.
Variant type: single nucleotide variant.
Coding change: c.9341C>T on transcript NM_001197104.2 (MANE Select); coding-DNA position 9341, C replaced by T.
Protein change: p.Thr3114Ile; replaces threonine 3114 with isoleucine.
Molecular consequence: missense variant.
Genome position (GRCh38, 1-based): chr11:118,505,233, C>T. VCF-style: chr11-118505233-C-T. GRCh37 (hg19) VCF-style: chr11-118375948-C-T.
Other names: c.9431C>T, p.Thr3144Ile (NM_001412597.1); c.9332C>T, p.Thr3111Ile (NM_005933.4); short protein forms T3111I, T3114I, T3144I.
Identifiers: ClinVar variation 3709781 (VCV003709781.2).

ClinVar aggregate classification (germline): Uncertain significance (1 of 4 stars; one submission).

gnomAD v4.1: 22 of 1,613,990 alleles (0.0014%); highest among the groups gnomAD compares: Non-Finnish European, 0.0017%; no homozygotes.

Submission:

Labcorp Genetics (formerly Invitae), Labcorp
Classification: Uncertain significance. Last evaluated: 2024-10-28. Review status: criteria provided, single submitter. Criteria: Invitae Variant Classification Sherloc (09022015). Collection method: clinical testing. Allele origin: germline.
Comment: This sequence change replaces threonine, which is neutral and polar, with isoleucine, which is neutral and non-polar, at codon 3114 of the KMT2A protein (p.Thr3114Ile). This variant is present in population databases (rs782046856, gnomAD 0.002%). This variant has not been reported in the literature in individuals affected with KMT2A-related conditions. Invitae Evidence Modeling of protein sequence and biophysical properties (such as structural, functional, and spatial information, amino acid conservation, physicochemical variation, residue mobility, and thermodynamic stability) indicates that this missense variant is not expected to disrupt KMT2A protein function with a negative predictive value of 95%. In summary, the available evidence is currently insufficient to determine the role of this variant in disease. Therefore, it has been classified as a Variant of Uncertain Significance.